The following is an entry in ClinVar:

NM_006231.4(POLE):c.4373G>A (p.Trp1458Ter)

Gene: POLE (DNA polymerase epsilon, catalytic subunit; minus strand). Cytogenetic location: 12q24.33.
Variant type: single nucleotide variant.
Coding change: c.4373G>A on transcript NM_006231.4 (MANE Select); coding-DNA position 4373, G replaced by A.
Protein change: p.Trp1458Ter; replaces tryptophan 1458 with a stop codon.
Molecular consequence: nonsense.
Genome position (GRCh38, 1-based): chr12:132,643,478, C>T on the plus strand (G>A on the coding strand, the complement: POLE is on the minus strand). VCF-style: chr12-132643478-C-T. GRCh37 (hg19) VCF-style: chr12-133220064-C-T.
Other names: short protein forms W1458*.
Identifiers: ClinVar variation 4723995 (VCV004723995.1).

ClinVar aggregate classification (germline): Pathogenic (1 of 4 stars; one submission).

Submission:

Labcorp Genetics (formerly Invitae), Labcorp
Classification: Pathogenic. Last evaluated: 2025-07-25. Review status: criteria provided, single submitter. Criteria: Invitae Variant Classification Sherloc (09022015). Collection method: clinical testing. Allele origin: germline.
Comment: This sequence change creates a premature translational stop signal (p.Trp1458*) in the POLE gene. It is expected to result in an absent or disrupted protein product. Loss-of-function variants in POLE are known to be pathogenic (PMID: 23230001, 25948378, 30503519). This variant is not present in population databases (gnomAD no frequency). This variant has not been reported in the literature in individuals affected with POLE-related conditions. Algorithms developed to predict the effect of sequence changes on RNA splicing suggest that this variant may disrupt the consensus splice site. For these reasons, this variant has been classified as Pathogenic.

Literature cited by the submitters: PubMed 23230001; PubMed 25948378; PubMed 30503519.